The following is an entry in ClinVar:

NM_015100.4(POGZ):c.665C>A (p.Pro222His)

Gene: POGZ (pogo transposable element derived with ZNF domain; minus strand). Cytogenetic location: 1q21.3.
Variant type: single nucleotide variant.
Coding change: c.665C>A on transcript NM_015100.4 (MANE Select); coding-DNA position 665, C replaced by A.
Protein change: p.Pro222His; replaces proline 222 with histidine.
Molecular consequence: missense variant.
Genome position (GRCh38, 1-based): chr1:151,428,317, G>T on the plus strand (C>A on the coding strand, the complement: POGZ is on the minus strand). VCF-style: chr1-151428317-G-T. GRCh37 (hg19) VCF-style: chr1-151400793-G-T.
Other names: c.665C>A, p.Pro222His (NM_001194937.2); c.506C>A, p.Pro169His (NM_001194938.2, NM_207171.2); c.380C>A, p.Pro127His (NM_145796.4); short protein forms P127H, P169H, P222H.
Identifiers: ClinVar variation 1006583 (VCV001006583.8), dbSNP rs1658111867, ClinGen allele CA341977965.

ClinVar aggregate classification (germline): Uncertain significance (1 of 4 stars; one submission).

Submission:

Labcorp Genetics (formerly Invitae), Labcorp
Classification: Uncertain significance. Last evaluated: 2020-10-30. Review status: criteria provided, single submitter. Criteria: Invitae Variant Classification Sherloc (09022015). Collection method: clinical testing. Allele origin: germline.
Comment: In summary, the available evidence is currently insufficient to determine the role of this variant in disease. Therefore, it has been classified as a Variant of Uncertain Significance. Algorithms developed to predict the effect of missense changes on protein structure and function are either unavailable or do not agree on the potential impact of this missense change (SIFT: "Deleterious"; PolyPhen-2: "Probably Damaging"; Align-GVGD: "Class C0"). This sequence change replaces proline with histidine at codon 222 of the POGZ protein (p.Pro222His). The proline residue is highly conserved and there is a moderate physicochemical difference between proline and histidine. This variant is not present in population databases (ExAC no frequency). This variant has been observed in individual(s) with clinical features of White-Sutton syndrome (Invitae).